The following is an entry in ClinVar:

ClinVar aggregate classification (germline): Conflicting classifications of pathogenicity. Review status: criteria provided, conflicting classifications (1 of 4 stars). 4 submissions from 3 submitters: Uncertain significance (1); Benign (3). Last evaluated 2026-01-27.

Conditions:
Isolated microphthalmia 5. Also called: Posterior Microphthalmia with Retinitis Pigmentosa, Foveoschisis, and Optic Disc Drusen. Identifiers: Orphanet 251279, MedGen C1970236, MONDO:0012605, OMIM 611040.
Late-onset retinal degeneration (LORD). Also called: RETINAL DEGENERATION, LATE-ONSET, AUTOSOMAL DOMINANT. Identifiers: Orphanet 67042, MedGen C1854065, MONDO:0011579, OMIM 605670. Disease mechanism: loss of function.

Allele frequency attached by ClinVar (database versions not stated): gnomAD 0.00934; 1000 Genomes Project 0.01098; ESP Exome Variant Server 0.00865; TOPMed 0.00987; 1000 Genomes Project 30x 0.01218.
gnomAD v4.1: 2,765 of 1,588,870 alleles (0.17%); highest among the groups gnomAD compares: African/African-American, 3.3%; 48 homozygotes.

Submissions (4):

Labcorp Genetics (formerly Invitae), Labcorp
Classification: Benign for Isolated microphthalmia 5. Last evaluated: 2026-01-27. Review status: criteria provided, single submitter. Criteria: Invitae Variant Classification Sherloc (09022015). Collection method: clinical testing. Allele origin: germline.

Illumina Laboratory Services, Illumina
Classification: Benign for Late-onset retinal degeneration. Last evaluated: 2018-01-13. Review status: criteria provided, single submitter. Criteria: ICSL Variant Classification Criteria 13 December 2019. Collection method: clinical testing. Allele origin: germline.
Comment: This variant was observed in the ICSL laboratory as part of a predisposition screen in an ostensibly healthy population. It had not been previously curated by ICSL or reported in the Human Gene Mutation Database (HGMD: prior to June 1st, 2018), and was therefore a candidate for classification through an automated scoring system. Utilizing variant allele frequency, disease prevalence and penetrance estimates, and inheritance mode, an automated score was calculated to assess if this variant is too frequent to cause the disease. Based on the score and internal cut-off values, a variant classified as benign is not then subjected to further curation. The score for this variant resulted in a classification of benign for this disease.

Illumina Laboratory Services, Illumina
Classification: Uncertain significance for Isolated microphthalmia 5. Last evaluated: 2018-01-13. Review status: criteria provided, single submitter. Criteria: ICSL Variant Classification Criteria 13 December 2019. Collection method: clinical testing. Allele origin: germline.

Eurofins Ntd Llc (ga)
Classification: Benign. Last evaluated: 2014-08-20. Review status: criteria provided, single submitter. Criteria: EGL Classification Definitions 2015. Collection method: clinical testing. Allele origin: germline. Observed: 1 variant allele, 1 heterozygote.

NM_031433.4(MFRP):c.160C>G (p.Arg54Gly)

Genes: C1QTNF5 (C1q and TNF related 5; minus strand), MFRP (membrane frizzled-related protein; minus strand). Cytogenetic location: 11q23.3.
Variant type: single nucleotide variant.
Coding change: c.160C>G on transcript NM_031433.4 (MANE Select); coding-DNA position 160, C replaced by G.
Protein change: p.Arg54Gly; replaces arginine 54 with glycine.
Molecular consequence: missense variant. On other transcripts: 5 prime UTR variant (1).
Genome position (GRCh38, 1-based): chr11:119,346,157, G>C on the plus strand (C>G on the coding strand, the complement: MFRP is on the minus strand). VCF-style: chr11-119346157-G-C. GRCh37 (hg19) VCF-style: chr11-119216867-G-C.
Other names: c.-2477C>G (NM_015645.5); short protein forms R54G.
Identifiers: ClinVar variation 196562 (VCV000196562.21), dbSNP rs139436396, ClinGen allele CA017284.